The following is an entry in ClinVar:

NM_021100.5(NFS1):c.-39C>G

Gene: NFS1 (NFS1 cysteine desulfurase; minus strand). Cytogenetic location: 20q11.22.
Variant type: single nucleotide variant.
Coding change: c.-39C>G on transcript NM_021100.5 (MANE Select); 39 bases upstream of the start codon, C replaced by G.
Molecular consequence: 5 prime UTR variant. On other transcripts: non-coding transcript variant (1).
Genome position (GRCh38, 1-based): chr20:35,699,327, G>C on the plus strand (C>G on the coding strand, the complement: NFS1 is on the minus strand). VCF-style: chr20-35699327-G-C. GRCh37 (hg19) VCF-style: chr20-34287249-G-C.
Other names: c.-39C>G (NM_001198989.2).
Identifiers: ClinVar variation 512305 (VCV000512305.1), dbSNP rs1223418864, ClinGen allele CA635723336.

ClinVar aggregate classification (germline): Likely benign (1 of 4 stars; one submission).

Allele frequency attached by ClinVar (database versions not stated): gnomAD 0.00003 and 0.00001; TOPMed 0.00001 and below 0.00001.
gnomAD v4.1: 1 of 1,399,096 alleles (0.000071%); highest among the groups gnomAD compares: East Asian, 0.0028%; no homozygotes.

Submission:

GeneDx
Classification: Likely benign. Last evaluated: 2017-10-03. Review status: criteria provided, single submitter. Criteria: GeneDx Variant Classification (06012015). Collection method: clinical testing. Allele origin: germline. Affected: yes.
Comment: This variant is considered likely benign or benign based on one or more of the following criteria: it is a conservative change, it occurs at a poorly conserved position in the protein, it is predicted to be benign by multiple in silico algorithms, and/or has population frequency not consistent with disease.